The following is an entry in ClinVar:

ClinVar aggregate classification (germline): Uncertain significance (1 of 4 stars; one submission).

Submission:

GeneDx
Classification: Uncertain significance. Last evaluated: 2026-04-02. Review status: criteria provided, single submitter. Criteria: GeneDx Variant Classification Process June 2021. Collection method: clinical testing. Allele origin: germline.
Comment: Has not been previously published as pathogenic or benign to our knowledge; In silico analysis supports that this missense variant has a deleterious effect on protein structure/function; Not observed at significant frequency in large population cohorts (gnomAD)

NM_015557.3(CHD5):c.2371C>T (p.Arg791Trp)

Gene: CHD5 (chromodomain helicase DNA binding protein 5; minus strand). Cytogenetic location: 1p36.31.
Variant type: single nucleotide variant.
Coding change: c.2371C>T on transcript NM_015557.3 (MANE Select); coding-DNA position 2371, C replaced by T.
Protein change: p.Arg791Trp; replaces arginine 791 with tryptophan.
Molecular consequence: missense variant.
Genome position (GRCh38, 1-based): chr1:6,142,193, G>A on the plus strand (C>T on the coding strand, the complement: CHD5 is on the minus strand). VCF-style: chr1-6142193-G-A. GRCh37 (hg19) VCF-style: chr1-6202253-G-A.
Other names: short protein forms R791W.
Identifiers: ClinVar variation 5018050 (VCV005018050.1).